The following is an entry in ClinVar:

NM_024675.4(PALB2):c.2863A>G (p.Ser955Gly)

Gene: PALB2 (partner and localizer of BRCA2; minus strand). Cytogenetic location: 16p12.2.
Variant type: single nucleotide variant.
Coding change: c.2863A>G on transcript NM_024675.4 (MANE Select); coding-DNA position 2863, A replaced by G.
Protein change: p.Ser955Gly; replaces serine 955 with glycine.
Molecular consequence: missense variant. On other transcripts: intron variant (1).
Genome position (GRCh38, 1-based): chr16:23,623,102, T>C on the plus strand (A>G on the coding strand, the complement: PALB2 is on the minus strand). VCF-style: chr16-23623102-T-C. GRCh37 (hg19) VCF-style: chr16-23634423-T-C.
Other names: c.2803A>G, p.Ser935Gly (NM_001407296.1); c.2791A>G, p.Ser931Gly (NM_001407297.1); c.2863A>G, p.Ser955Gly (NM_001407301.1, NM_001407299.1); c.2701A>G, p.Ser901Gly (NM_001407302.1, NM_001407298.1); c.1978A>G, p.Ser660Gly (NM_001407304.1, NM_001407305.1, NM_001407306.1 and 4 more transcripts); c.1816A>G, p.Ser606Gly (NM_001407307.1); c.1075A>G, p.Ser359Gly (NM_001407312.1, NM_001407313.1); c.397A>G, p.Ser133Gly (NM_001407314.1); and 1 more; short protein forms S133G, S660G, S931G, S955G, S935G, S359G, S606G, S901G.
Identifiers: ClinVar variation 2716733 (VCV002716733.3), dbSNP rs2142337388, ClinGen allele CA395144428.

ClinVar aggregate classification (germline): Uncertain significance (1 of 4 stars; one submission).

Conditions:
Familial cancer of breast. Also called: Hereditary breast cancer; BREAST CANCER, FAMILIAL; hereditary breast carcinoma. Identifiers: Orphanet 227535, MedGen C0346153, MONDO:0016419, OMIM 114480. Disease mechanism: loss of function.

Submission:

Labcorp Genetics (formerly Invitae), Labcorp
Classification: Uncertain significance for Familial cancer of breast. Last evaluated: 2024-05-15. Review status: criteria provided, single submitter. Criteria: Invitae Variant Classification Sherloc (09022015). Collection method: clinical testing. Allele origin: germline.
Comment: This sequence change replaces serine, which is neutral and polar, with glycine, which is neutral and non-polar, at codon 955 of the PALB2 protein (p.Ser955Gly). This variant is not present in population databases (gnomAD no frequency). This variant has not been reported in the literature in individuals affected with PALB2-related conditions. Advanced modeling of protein sequence and biophysical properties (such as structural, functional, and spatial information, amino acid conservation, physicochemical variation, residue mobility, and thermodynamic stability) performed at Invitae indicates that this missense variant is not expected to disrupt PALB2 protein function with a negative predictive value of 80%. In summary, the available evidence is currently insufficient to determine the role of this variant in disease. Therefore, it has been classified as a Variant of Uncertain Significance.